The following is an entry in ClinVar:

NM_002860.4(ALDH18A1):c.1115C>A (p.Ser372Tyr)

Gene: ALDH18A1 (aldehyde dehydrogenase 18 family member A1; minus strand). Cytogenetic location: 10q24.1.
Variant type: single nucleotide variant.
Coding change: c.1115C>A on transcript NM_002860.4 (MANE Select); coding-DNA position 1115, C replaced by A.
Protein change: p.Ser372Tyr; replaces serine 372 with tyrosine.
Molecular consequence: missense variant.
Genome position (GRCh38, 1-based): chr10:95,626,740, G>T on the plus strand (C>A on the coding strand, the complement: ALDH18A1 is on the minus strand). VCF-style: chr10-95626740-G-T. GRCh37 (hg19) VCF-style: chr10-97386497-G-T.
Other names: NM_001017423.1(ALDH18A1):c.1109C>A(p.Ser370Tyr); NM_002860.3(ALDH18A1):c.1115C>A(p.Ser372Tyr); c.1109C>A, p.Ser370Tyr (NM_001017423.2, NM_001323415.2); c.782C>A, p.Ser261Tyr (NM_001323412.2, NM_001323416.2); c.1115C>A, p.Ser372Tyr (NM_001323413.2, NM_001323414.2); c.1010C>A, p.Ser337Tyr (NM_001323417.2); c.776C>A, p.Ser259Tyr (NM_001323418.2); c.479C>A, p.Ser160Tyr (NM_001323419.2); short protein forms S372Y, S261Y, S370Y, S160Y, S259Y, S337Y.
Identifiers: ClinVar variation 301770 (VCV000301770.22), dbSNP rs3765571, ClinGen allele CA5620416.

ClinVar aggregate classification (germline): Benign/Likely benign. Review status: criteria provided, multiple submitters, no conflicts (2 of 4 stars). 9 submissions from 9 submitters: Benign (8); Likely benign (1). Last evaluated 2026-02-03.

Conditions:
ALDH18A1-related de Barsy syndrome. Also called: Cutis laxa, autosomal recessive IIIA; DE BARSY SYNDROME A. Identifiers: Orphanet 2962, Orphanet 35664, MedGen C5234852, MONDO:0009053, OMIM 219150.
Hereditary spastic paraplegia 9A. Also called: SPASTIC PARAPLEGIA 9A, AUTOSOMAL DOMINANT; CATARACTS WITH MOTOR NEURONOPATHY, SHORT STATURE, AND SKELETAL ABNORMALITIES; SPASTIC PARAPARESIS WITH AMYOTROPHY, CATARACTS, AND GASTROESOPHAGEAL REFLUX. Identifiers: Orphanet 100990, Orphanet 447753, MedGen C5568978, MONDO:0011006, OMIM 601162.
Autosomal recessive complex spastic paraplegia type 9B. Also called: Spastic paraplegia 9b, autosomal recessive. Identifiers: Orphanet 447760, MedGen C5568980, MONDO:0014702, OMIM 616586.
Cutis laxa, autosomal dominant 3 (ADCL3). Identifiers: Orphanet 90348, MedGen C4225268, MONDO:0014706, OMIM 616603.
Hereditary spastic paraplegia. Also called: Familial spastic paraparesis. Identifiers: Orphanet 685, MedGen C0037773, MONDO:0019064. Disease mechanism: loss of function.
Autosomal dominant spastic paraplegia type 9. Identifiers: MedGen C1832669, MONDO:0015091.
de Barsy syndrome. Also called: Cutis laxa-corneal clouding-oligophrenia syndrome. Identifiers: Orphanet 2962, MedGen C0268354, MONDO:0017569.

Allele frequency attached by ClinVar (database versions not stated): TOPMed 0.01540; ExAC 0.01724; gnomAD exomes 0.01743; gnomAD 0.01418 and 0.01486; ESP Exome Variant Server 0.01492; 1000 Genomes Project 30x 0.01983; 1000 Genomes Project 0.02037.
gnomAD v4.1: 30,226 of 1,613,874 alleles (1.9%); highest among the groups gnomAD compares: East Asian, 3.6%; 340 homozygotes.

Submissions (9):

Labcorp Genetics (formerly Invitae), Labcorp
Classification: Benign for Autosomal dominant spastic paraplegia type 9; de Barsy syndrome; Cutis laxa, autosomal dominant 3. Last evaluated: 2026-02-03. Review status: criteria provided, single submitter. Criteria: Invitae Variant Classification Sherloc (09022015). Collection method: clinical testing. Allele origin: germline.

Blueprint Genetics
Classification: Likely benign. Last evaluated: 2024-11-27. Review status: criteria provided, single submitter. Criteria: ACMG Guidelines, 2015. Collection method: clinical testing. Allele origin: germline.

Mayo Clinic Laboratories, Mayo Clinic
Classification: Benign. Last evaluated: 2023-03-21. Review status: criteria provided, single submitter. Criteria: ACMG Guidelines, 2015. Collection method: clinical testing. Allele origin: germline. Observed: 46 variant alleles.
Comment: BS1, BS2

Fulgent Genetics
Classification: Benign for ALDH18A1-related de Barsy syndrome; Hereditary spastic paraplegia 9A; Autosomal recessive complex spastic paraplegia type 9B; Cutis laxa, autosomal dominant 3. Last evaluated: 2021-08-24. Review status: criteria provided, single submitter. Criteria: ACMG Guidelines, 2015. Collection method: clinical testing. Allele origin: unknown.

Genome Diagnostics Laboratory, The Hospital for Sick Children
Classification: Benign for Hereditary spastic paraplegia. Last evaluated: 2021-04-15. Review status: criteria provided, single submitter. Criteria: ACMG Guidelines, 2015. Collection method: clinical testing. Allele origin: germline. Affected: yes.

SIB Swiss Institute of Bioinformatics
Classification: Benign for ALDH18A1-related de Barsy syndrome. Last evaluated: 2018-05-31. Review status: criteria provided, single submitter. Criteria: ACMG Guidelines, 2015. Collection method: curation. Allele origin: unknown.
Comment: This variant is interpreted as a Benign, for Cutis laxa, autosomal recessive, type IIIa, in Autosomal Recessive manner. The following ACMG Tag(s) were applied: BS1 => Allele frequency is greater than expected for disorder. BS2 => Observed in a healthy adult individual for a recessive (homozygous), dominant (heterozygous), or X-linked (hemizygous) disorder, with full penetrance expected at an early age.

Illumina Laboratory Services, Illumina
Classification: Benign for ALDH18A1-related de Barsy syndrome. Last evaluated: 2018-01-12. Review status: criteria provided, single submitter. Criteria: ICSL Variant Classification Criteria 13 December 2019. Collection method: clinical testing. Allele origin: germline.
Comment: This variant was observed in the ICSL laboratory as part of a predisposition screen in an ostensibly healthy population. It had not been previously curated by ICSL or reported in the Human Gene Mutation Database (HGMD: prior to June 1st, 2018), and was therefore a candidate for classification through an automated scoring system. Utilizing variant allele frequency, disease prevalence and penetrance estimates, and inheritance mode, an automated score was calculated to assess if this variant is too frequent to cause the disease. Based on the score and internal cut-off values, a variant classified as benign is not then subjected to further curation. The score for this variant resulted in a classification of benign for this disease.

GeneDx
Classification: Benign. Last evaluated: 2016-12-08. Review status: criteria provided, single submitter. Criteria: GeneDx Variant Classification (06012015). Collection method: clinical testing. Allele origin: germline. Affected: yes.
Comment: This variant is considered likely benign or benign based on one or more of the following criteria: it is a conservative change, it occurs at a poorly conserved position in the protein, it is predicted to be benign by multiple in silico algorithms, and/or has population frequency not consistent with disease.

Breakthrough Genomics
Classification: Benign. Review status: criteria provided, single submitter. Criteria: ACMG Guidelines, 2015. Collection method: not provided. Allele origin: germline. Inheritance: Autosomal recessive inheritance. Affected: yes.

Literature cited by the submitters: PubMed 25077174 (cited by Mayo Clinic Laboratories, Mayo Clinic); PubMed 31413120 (cited by Mayo Clinic Laboratories, Mayo Clinic); PubMed 32065947 (cited by Mayo Clinic Laboratories, Mayo Clinic); PubMed 34680056 (cited by Mayo Clinic Laboratories, Mayo Clinic).